The following is an entry in ClinVar:

NM_002878.4(RAD51D):c.305T>C (p.Val102Ala)

Genes: RAD51D (RAD51 paralog D; minus strand), RAD51L3-RFFL (RAD51L3-RFFL readthrough; minus strand). Cytogenetic location: 17q12.
Variant type: single nucleotide variant.
Coding change: c.305T>C on transcript NM_002878.4 (MANE Select); coding-DNA position 305, T replaced by C.
Protein change: p.Val102Ala; replaces valine 102 with alanine.
Molecular consequence: missense variant. On other transcripts: non-coding transcript variant (2), intron variant (1).
Genome position (GRCh38, 1-based): chr17:35,107,406, A>G on the plus strand (T>C on the coding strand, the complement: RAD51D is on the minus strand). VCF-style: chr17-35107406-A-G. GRCh37 (hg19) VCF-style: chr17-33434425-A-G.
Other names: c.305T>C (NM_002878.3); c.365T>C, p.Val122Ala (NM_001142571.2); c.145-925T>C (NM_133629.3); short protein forms V102A, V122A.
Identifiers: ClinVar variation 1009285 (VCV001009285.9), dbSNP rs1555568494, ClinGen allele CA399089954.

ClinVar aggregate classification (germline): Uncertain significance. Review status: criteria provided, multiple submitters, no conflicts (2 of 4 stars). 2 submissions from 2 submitters: Uncertain significance (2). Last evaluated 2026-07-07.

Conditions:
Breast-ovarian cancer, familial, susceptibility to, 4. Identifiers: Orphanet 145, MedGen C3280345, MONDO:0013669, OMIM 614291.
Hereditary cancer-predisposing syndrome. Also called: Tumor predisposition; Hereditary Cancer Syndrome; Hereditary neoplastic syndrome; Neoplastic Syndromes, Hereditary. Identifiers: Orphanet 140162, MedGen C0027672, MeSH D009386, MONDO:0015356.

Submissions (2):

Ambry Genetics
Classification: Uncertain significance for Hereditary cancer-predisposing syndrome. Last evaluated: 2026-07-07. Review status: criteria provided, single submitter. Criteria: Ambry Variant Classification Scheme 2023. Collection method: clinical testing. Allele origin: germline.
Comment: The p.V102A variant (also known as c.305T>C), located in coding exon 4 of the RAD51D gene, results from a T to C substitution at nucleotide position 305. The valine at codon 102 is replaced by alanine, an amino acid with similar properties. This amino acid position is conserved. In addition, this alteration is predicted to be deleterious by in silico analysis. Based on the available evidence, the clinical significance of this variant remains unclear.

Labcorp Genetics (formerly Invitae), Labcorp
Classification: Uncertain significance for Breast-ovarian cancer, familial, susceptibility to, 4. Last evaluated: 2025-12-21. Review status: criteria provided, single submitter. Criteria: Invitae Variant Classification Sherloc (09022015). Collection method: clinical testing. Allele origin: germline.
Comment: This sequence change replaces valine, which is neutral and non-polar, with alanine, which is neutral and non-polar, at codon 102 of the RAD51D protein (p.Val102Ala). This variant is not present in population databases (gnomAD no frequency). This variant has not been reported in the literature in individuals affected with RAD51D-related conditions. ClinVar contains an entry for this variant (Variation ID: 1009285). Invitae Evidence Modeling of protein sequence and biophysical properties (such as structural, functional, and spatial information, amino acid conservation, physicochemical variation, residue mobility, and thermodynamic stability) has been performed for this missense variant. However, the output from this modeling did not meet the statistical confidence thresholds required to predict the impact of this variant on RAD51D protein function. In summary, the available evidence is currently insufficient to determine the role of this variant in disease. Therefore, it has been classified as a Variant of Uncertain Significance.